The following is an entry in ClinVar:

ClinVar aggregate classification (germline): Uncertain significance (1 of 4 stars; one submission).

Conditions:
Familial adenomatous polyposis 1 (FAP1). Also called: FAMILIAL ADENOMATOUS POLYPOSIS 1, ATTENUATED; POLYPOSIS, ADENOMATOUS INTESTINAL. Identifiers: MedGen C2713442, MONDO:0021056, OMIM 175100. Disease mechanism: loss of function.

Submission:

Labcorp Genetics (formerly Invitae), Labcorp
Classification: Uncertain significance for Familial adenomatous polyposis 1. Last evaluated: 2024-04-25. Review status: criteria provided, single submitter. Criteria: Invitae Variant Classification Sherloc (09022015). Collection method: clinical testing. Allele origin: germline.
Comment: This sequence change replaces lysine, which is basic and polar, with glutamic acid, which is acidic and polar, at codon 1938 of the APC protein (p.Lys1938Glu). This variant is not present in population databases (gnomAD no frequency). This variant has not been reported in the literature in individuals affected with APC-related conditions. Advanced modeling of protein sequence and biophysical properties (such as structural, functional, and spatial information, amino acid conservation, physicochemical variation, residue mobility, and thermodynamic stability) performed at Invitae indicates that this missense variant is not expected to disrupt APC protein function with a negative predictive value of 95%. In summary, the available evidence is currently insufficient to determine the role of this variant in disease. Therefore, it has been classified as a Variant of Uncertain Significance.

NM_000038.6(APC):c.5812A>G (p.Lys1938Glu)

Gene: APC (APC regulator of Wnt signaling pathway; plus strand). Cytogenetic location: 5q22.2.
Variant type: single nucleotide variant.
Coding change: c.5812A>G on transcript NM_000038.6 (MANE Select); coding-DNA position 5812, A replaced by G.
Protein change: p.Lys1938Glu; replaces lysine 1938 with glutamic acid.
Molecular consequence: missense variant. On other transcripts: non-coding transcript variant (2).
Genome position (GRCh38, 1-based): chr5:112,841,406, A>G. VCF-style: chr5-112841406-A-G. GRCh37 (hg19) VCF-style: chr5-112177103-A-G.
Other names: c.5866A>G, p.Lys1956Glu (NM_001407447.1, NM_001407448.1, NM_001407449.1 and 1 more transcripts); c.5812A>G, p.Lys1938Glu (NM_001407450.1, NM_001127510.3, NM_001354895.2); c.5791A>G, p.Lys1931Glu (NM_001407451.1); c.5782A>G, p.Lys1928Glu (NM_001407452.1); c.5635A>G, p.Lys1879Glu (NM_001407453.1, NM_001354901.2); c.5563A>G, p.Lys1855Glu (NM_001407454.1, NM_001407455.1, NM_001407456.1 and 1 more transcripts); c.5509A>G, p.Lys1837Glu (NM_001407458.1, NM_001407459.1, NM_001407460.1 and 1 more transcripts); c.5425A>G, p.Lys1809Glu (NM_001407467.1, NM_001407469.1); and 11 more; short protein forms K1847E, K1855E, K1879E, K1910E, K1928E, K1554E, K1812E, K1897E.
Identifiers: ClinVar variation 2819256 (VCV002819256.3), dbSNP rs2149949842, ClinGen allele CA16034045.